The following is an entry in ClinVar:

ClinVar aggregate classification (germline): Likely pathogenic. Review status: criteria provided, multiple submitters, no conflicts (2 of 4 stars). 2 submissions from 2 submitters: Likely pathogenic (2). Last evaluated 2025-02-14.

Conditions:
Sotos syndrome (SOTOS). Also called: Distinctive facial appearance, overgrowth in childhood, and learning disabilities or delayed development; SOTOS SYNDROME 1; CHROMOSOME 5q35 DELETION SYNDROME; CEREBRAL GIGANTISM; Sotos' syndrome. Identifiers: Orphanet 821, MedGen C0175695, MONDO:0019349, OMIM 117550.

Submissions (2):

Dasa
Classification: Likely pathogenic for Sotos syndrome. Last evaluated: 2025-02-14. Review status: criteria provided, single submitter. Criteria: DASA Assertion Criteria. Collection method: clinical testing. Allele origin: germline.
Comment: NM_022455.5(NSD1):c.4966+1G>C affects a canonical splice site and is predicted to disrupt normal RNA splicing. Loss of function is an established disease mechanism for NSD1 (PMID: 11896389; PMID: 17565729; PMID: 23190751). De novo occurrence has been reported in an individual with NSD1-related disorders. Also, this variant is absent from population databases. Based on the currently available evidence, this variant is classified as likely pathogenic.

Labcorp Genetics (formerly Invitae), Labcorp
Classification: Likely pathogenic. Last evaluated: 2023-01-17. Review status: criteria provided, single submitter. Criteria: Invitae Variant Classification Sherloc (09022015). Collection method: clinical testing. Allele origin: germline.
Comment: In summary, the currently available evidence indicates that the variant is pathogenic, but additional data are needed to prove that conclusively. Therefore, this variant has been classified as Likely Pathogenic. Studies have shown that disruption of this splice site is associated with altered splicing resulting in skipping of exon 13 (PMID: 16547423). Disruption of this splice site has been observed in individual(s) with Sotos syndrome (PMID: 16547423). It has also been observed to segregate with disease in related individuals. This variant is not present in population databases (gnomAD no frequency). This sequence change affects a donor splice site in intron 13 of the NSD1 gene. It is expected to disrupt RNA splicing. Variants that disrupt the donor or acceptor splice site typically lead to a loss of protein function (PMID: 16199547), and loss-of-function variants in NSD1 are known to be pathogenic (PMID: 12464997, 14571271, 15942875, 16247291).

Literature cited by the submitters: PubMed 21972110 (cited by Dasa); PubMed 11896389 (cited by Dasa); PubMed 17565729 (cited by Dasa); PubMed 23190751 (cited by Dasa); PubMed 16547423 (cited by Labcorp Genetics (formerly Invitae), Labcorp); PubMed 16199547 (cited by Labcorp Genetics (formerly Invitae), Labcorp); PubMed 12464997 (cited by Labcorp Genetics (formerly Invitae), Labcorp); PubMed 14571271 (cited by Labcorp Genetics (formerly Invitae), Labcorp); PubMed 15942875 (cited by Labcorp Genetics (formerly Invitae), Labcorp); PubMed 16247291 (cited by Labcorp Genetics (formerly Invitae), Labcorp).

NM_022455.5(NSD1):c.4966+1G>C

Gene: NSD1 (nuclear receptor binding SET domain protein 1; plus strand). Cytogenetic location: 5q35.3.
Variant type: single nucleotide variant.
Coding change: c.4966+1G>C on transcript NM_022455.5 (MANE Select); the canonical splice donor site of the intron after coding-DNA position 4966, G replaced by C.
Molecular consequence: splice donor variant.
Genome position (GRCh38, 1-based): chr5:177,257,152, G>C. VCF-style: chr5-177257152-G-C. GRCh37 (hg19) VCF-style: chr5-176684153-G-C.
Other names: c.4966+1G>C (NM_001409301.1, NM_001409302.1, NM_001409303.1); c.4546+1G>C (NM_001409304.1); c.4213+1G>C (NM_001409305.1); c.4204+1G>C (NM_001409306.1, NM_001409307.1); c.4093+1G>C (NM_001409308.1, NM_172349.5, NM_001409309.1 and 1 more transcripts).
Identifiers: ClinVar variation 3691749 (VCV003691749.4).